The following is an entry in ClinVar:

ClinVar aggregate classification (germline): Uncertain significance. Review status: criteria provided, multiple submitters, no conflicts (2 of 4 stars). 2 submissions from 2 submitters: Uncertain significance (2). Last evaluated 2026-04-15.

Conditions:
Inborn genetic diseases. Identifiers: MedGen C0950123, MeSH D030342.

gnomAD v4.1: 4 of 1,211,630 alleles (0.00033%); highest among the groups gnomAD compares: East Asian, 0.0089%; no homozygotes.

Submissions (2):

Ambry Genetics
Classification: Uncertain significance for Inborn genetic diseases. Last evaluated: 2026-04-15. Review status: criteria provided, single submitter. Criteria: Ambry Variant Classification Scheme 2023. Collection method: clinical testing. Allele origin: germline.
Comment: The c.1633C>T (p.P545S) alteration is located in exon 13 (coding exon 13) of the L1CAM gene. This alteration results from a C to T substitution at nucleotide position 1633, causing the proline (P) at amino acid position 545 to be replaced by a serine (S). Based on data from gnomAD, the T allele has an overall frequency of <0.001% (1/183498) total alleles studied. The highest observed frequency was 0.004% (1/27430) of Latino alleles. Based on insufficient or conflicting evidence, the clinical significance of this alteration remains unclear.

GeneDx
Classification: Uncertain significance. Last evaluated: 2019-12-02. Review status: criteria provided, single submitter. Criteria: GeneDx Variant Classification Process June 2021. Collection method: clinical testing. Allele origin: germline. Affected: yes.
Comment: In silico analysis, which includes protein predictors and evolutionary conservation, supports a deleterious effect; Has not been previously published as pathogenic or benign to our knowledge; Missense variants in nearby residues reported in the Human Gene Mutation Database (Stenson et al., 2014)

NM_001278116.2(L1CAM):c.1633C>T (p.Pro545Ser)

Gene: L1CAM (L1 cell adhesion molecule; minus strand). Cytogenetic location: Xq28.
Variant type: single nucleotide variant.
Coding change: c.1633C>T on transcript NM_001278116.2 (MANE Select); coding-DNA position 1633, C replaced by T.
Protein change: p.Pro545Ser; replaces proline 545 with serine.
Molecular consequence: missense variant.
Genome position (GRCh38, 1-based): chrX:153,868,372, G>A on the plus strand (C>T on the coding strand, the complement: L1CAM is on the minus strand). VCF-style: chrX-153868372-G-A. GRCh37 (hg19) VCF-style: chrX-153133827-G-A.
Other names: c.1633C>T, p.Pro545Ser (NM_000425.5, NM_024003.3); c.1618C>T, p.Pro540Ser (NM_001143963.2); short protein forms P540S, P545S.
Identifiers: ClinVar variation 1310568 (VCV001310568.3), dbSNP rs782513182, ClinGen allele CA415124839.